The following is an entry in ClinVar:

ClinVar aggregate classification (germline): Uncertain significance (0 of 4 stars; one submission).

Conditions:
IFT88-related disorder. Also called: IFT88-related condition.

gnomAD v4.1: 8 of 1,603,632 alleles (0.0005%); highest among the groups gnomAD compares: Non-Finnish European, 0.00068%; no homozygotes.

Submission:

PreventionGenetics, part of Exact Sciences
Classification: Uncertain significance for IFT88-related condition. Last evaluated: 2024-07-27. Review status: no assertion criteria provided. Collection method: clinical testing. Allele origin: germline.
Comment: The IFT88 c.1247C>G variant is predicted to result in the amino acid substitution p.Ala416Gly. To our knowledge, this variant has not been reported in the literature. This variant is reported in 0.00090% of alleles in individuals of European (Non-Finnish) descent in gnomAD. At this time, the clinical significance of this variant is uncertain due to the absence of conclusive functional and genetic evidence.

NM_006531.5(IFT88):c.1220C>G (p.Ala407Gly)

Gene: IFT88 (intraflagellar transport 88; plus strand). Cytogenetic location: 13q12.11.
Variant type: single nucleotide variant.
Coding change: c.1220C>G on transcript NM_006531.5 (MANE Select); coding-DNA position 1220, C replaced by G.
Protein change: p.Ala407Gly; replaces alanine 407 with glycine.
Molecular consequence: missense variant. On other transcripts: non-coding transcript variant (5).
Genome position (GRCh38, 1-based): chr13:20,625,770, C>G. VCF-style: chr13-20625770-C-G. GRCh37 (hg19) VCF-style: chr13-21199909-C-G.
Other names: c.1163C>G, p.Ala388Gly (NM_001318491.2, NM_001353575.2); c.1247C>G, p.Ala416Gly (NM_001318493.2, NM_001353565.2, NM_001353566.2 and 2 more transcripts); c.1220C>G, p.Ala407Gly (NM_001353568.2, NM_001353572.2); c.1145C>G, p.Ala382Gly (NM_001353569.2, NM_001353570.2, NM_001353576.2 and 1 more transcripts); c.1118C>G, p.Ala373Gly (NM_001353571.2, NM_001353578.2); c.1076C>G, p.Ala359Gly (NM_001353573.2); c.1061C>G, p.Ala354Gly (NM_001353574.2); c.587C>G, p.Ala196Gly (NM_001353579.2); short protein forms A196G, A354G, A359G, A373G, A382G, A388G, A407G, A416G.
Identifiers: ClinVar variation 3346241 (VCV003346241.1).